The following is an entry in ClinVar:

ClinVar aggregate classification (germline): Uncertain significance (1 of 4 stars; one submission).

Conditions:
Jeune thoracic dystrophy. Also called: Infantile thoracic dystrophy; Thoracic pelvic phalangeal dystrophy; Jeune's syndrome; Chondroectodermal dysplasia-like syndrome; Short-rib thoracic dysplasia; Jeune syndrome. Identifiers: Orphanet 474, MedGen C0265275, MONDO:0018770.

Allele frequency attached by ClinVar (database versions not stated): gnomAD 0.00002; TOPMed 0.00005.
gnomAD v4.1: 5 of 1,612,754 alleles (0.00031%); highest among the groups gnomAD compares: African/African-American, 0.0027%; no homozygotes.

Submission:

Labcorp Genetics (formerly Invitae), Labcorp
Classification: Uncertain significance for Jeune thoracic dystrophy. Last evaluated: 2022-05-11. Review status: criteria provided, single submitter. Criteria: Invitae Variant Classification Sherloc (09022015). Collection method: clinical testing. Allele origin: germline.
Comment: This sequence change replaces methionine, which is neutral and non-polar, with threonine, which is neutral and polar, at codon 2268 of the DYNC2H1 protein (p.Met2268Thr). This variant is not present in population databases (gnomAD no frequency). This variant has not been reported in the literature in individuals affected with DYNC2H1-related conditions. Advanced modeling of protein sequence and biophysical properties (such as structural, functional, and spatial information, amino acid conservation, physicochemical variation, residue mobility, and thermodynamic stability) performed at Invitae indicates that this missense variant is not expected to disrupt DYNC2H1 protein function. In summary, the available evidence is currently insufficient to determine the role of this variant in disease. Therefore, it has been classified as a Variant of Uncertain Significance.

NM_001377.3(DYNC2H1):c.6803T>C (p.Met2268Thr)

Gene: DYNC2H1 (dynein cytoplasmic 2 heavy chain 1; plus strand). Cytogenetic location: 11q22.3.
Variant type: single nucleotide variant.
Coding change: c.6803T>C on transcript NM_001377.3 (MANE Select); coding-DNA position 6803, T replaced by C.
Protein change: p.Met2268Thr; replaces methionine 2268 with threonine.
Molecular consequence: missense variant.
Genome position (GRCh38, 1-based): chr11:103,186,411, T>C. VCF-style: chr11-103186411-T-C. GRCh37 (hg19) VCF-style: chr11-103057140-T-C.
Other names: c.6803T>C, p.Met2268Thr (NM_001080463.2); short protein forms M2268T.
Identifiers: ClinVar variation 2173752 (VCV002173752.1), dbSNP rs1591376770, ClinGen allele CA382250410.